The following is an entry in ClinVar:

ClinVar aggregate classification (germline): Uncertain significance. Review status: criteria provided, multiple submitters, no conflicts (2 of 4 stars). 3 submissions from 3 submitters: Uncertain significance (3). Last evaluated 2026-08-05.

Conditions:
COL18A1-related disorder. Also called: COL18A1-related disorders; COL18A1-related condition.

Submissions (3):

PreventionGenetics, part of Exact Sciences
Classification: Uncertain significance for COL18A1-related condition. Last evaluated: 2026-08-05. Review status: criteria provided, single submitter. Criteria: ACMG Guidelines, 2015. Collection method: clinical testing. Allele origin: germline.
Comment: The COL18A1 c.3061_3078del18 variant is predicted to result in an in-frame deletion (p.Pro1024_Gly1029del). To our knowledge, this variant has not been reported in the literature. This variant is reported in 0.020% of alleles in individuals of African descent in gnomAD. At this time, the clinical significance of this variant is uncertain due to the absence of conclusive functional and genetic evidence.

Blueprint Genetics
Classification: Uncertain significance. Last evaluated: 2024-01-10. Review status: criteria provided, single submitter. Criteria: ACMG Guidelines, 2015. Collection method: clinical testing. Allele origin: germline.

Labcorp Genetics (formerly Invitae), Labcorp
Classification: Uncertain significance. Last evaluated: 2022-07-19. Review status: criteria provided, single submitter. Criteria: Invitae Variant Classification Sherloc (09022015). Collection method: clinical testing. Allele origin: germline.
Comment: This variant, c.2529_2546del, results in the deletion of 6 amino acid(s) of the COL18A1 protein (p.Pro847_Gly852del), but otherwise preserves the integrity of the reading frame. This variant is present in population databases (rs765313492, gnomAD 0.02%). This variant has not been reported in the literature in individuals affected with COL18A1-related conditions. ClinVar contains an entry for this variant (Variation ID: 1438946). Experimental studies and prediction algorithms are not available or were not evaluated, and the functional significance of this variant is currently unknown. In summary, the available evidence is currently insufficient to determine the role of this variant in disease. Therefore, it has been classified as a Variant of Uncertain Significance.

NM_001379500.1(COL18A1):c.2529_2546del (p.841PPG[2])

Gene: COL18A1 (collagen type XVIII alpha 1 chain; plus strand). Cytogenetic location: 21q22.3.
Variant type: Deletion.
Coding change: c.2529_2546del on transcript NM_001379500.1 (MANE Select); coding-DNA positions 2529 to 2546, 18 bases deleted (ACCTCCAGGGCCCCCAGG).
Protein change: p.841PPG[2].
Molecular consequence: inframe deletion.
Genome position (GRCh38, 1-based): chr21:45,496,520-45,496,537, ACCTCCAGGGCCCCCAGG deleted; deleting any 18 consecutive bases within chr21:45,496,512-45,496,537 gives the same sequence; the c. name uses the placement nearest the transcript's 3' end. VCF-style (leftmost placement, unchanged base first): chr21-45496511-CCCCCCAGGACCTCCAGGG-C. GRCh37 (hg19) VCF-style: chr21-46916425-CCCCCCAGGACCTCCAGGG-C.
Other names: c.3069_3086del, p.1021PPG[2] (NM_030582.4); c.3774_3791del, p.1256PPG[2] (NM_130444.3); c.3061_3078del18 (NM_030582.3).
Identifiers: ClinVar variation 1438946 (VCV001438946.5), dbSNP rs765313492, ClinGen allele CA10067169.